The following is an entry in ClinVar:

NM_000322.5(PRPH2):c.743G>A (p.Arg248His)

Gene: PRPH2 (peripherin 2; minus strand). Cytogenetic location: 6p21.1.
Variant type: single nucleotide variant.
Coding change: c.743G>A on transcript NM_000322.5 (MANE Select); coding-DNA position 743, G replaced by A.
Protein change: p.Arg248His; replaces arginine 248 with histidine.
Molecular consequence: missense variant.
Genome position (GRCh38, 1-based): chr6:42,704,450, C>T on the plus strand (G>A on the coding strand, the complement: PRPH2 is on the minus strand). VCF-style: chr6-42704450-C-T. GRCh37 (hg19) VCF-style: chr6-42672188-C-T.
Other names: short protein forms R248H.
Identifiers: ClinVar variation 3365810 (VCV003365810.2).

ClinVar aggregate classification (germline): Uncertain significance. Review status: criteria provided, multiple submitters, no conflicts (2 of 4 stars). 2 submissions from 2 submitters: Uncertain significance (2). Last evaluated 2023-12-14.

gnomAD v4.1: 9 of 1,612,754 alleles (0.00056%); highest among the groups gnomAD compares: African/African-American, 0.0093%; no homozygotes.

Submissions (2):

GeneDx
Classification: Uncertain significance. Last evaluated: 2023-12-14. Review status: criteria provided, single submitter. Criteria: GeneDx Variant Classification Process June 2021. Collection method: clinical testing. Allele origin: germline. Affected: yes.
Comment: In silico analysis supports that this missense variant has a deleterious effect on protein structure/function; Has not been previously published as pathogenic or benign to our knowledge

Blueprint Genetics
Classification: Uncertain significance. Last evaluated: 2018-02-06. Review status: criteria provided, single submitter. Criteria: ACMG Guidelines, 2015. Collection method: clinical testing. Allele origin: germline.